The following is an entry in ClinVar:

ClinVar aggregate classification (germline): Uncertain significance (1 of 4 stars; one submission).

gnomAD v4.1: 1 of 1,614,160 alleles (0.000062%); highest among the groups gnomAD compares: Non-Finnish European, 0.000085%; no homozygotes.

Submission:

Labcorp Genetics (formerly Invitae), Labcorp
Classification: Uncertain significance. Last evaluated: 2023-11-28. Review status: criteria provided, single submitter. Criteria: Invitae Variant Classification Sherloc (09022015). Collection method: clinical testing. Allele origin: germline.
Comment: This sequence change replaces serine, which is neutral and polar, with asparagine, which is neutral and polar, at codon 72 of the IL6R protein (p.Ser72Asn). This variant is not present in population databases (gnomAD no frequency). This variant has not been reported in the literature in individuals affected with IL6R-related conditions. ClinVar contains an entry for this variant (Variation ID: 1495608). An algorithm developed to predict the effect of missense changes on protein structure and function (PolyPhen-2) suggests that this variant is likely to be tolerated. In summary, the available evidence is currently insufficient to determine the role of this variant in disease. Therefore, it has been classified as a Variant of Uncertain Significance.

NM_000565.4(IL6R):c.215G>A (p.Ser72Asn)

Gene: IL6R (interleukin 6 receptor; plus strand). Cytogenetic location: 1q21.3.
Variant type: single nucleotide variant.
Coding change: c.215G>A on transcript NM_000565.4 (MANE Select); coding-DNA position 215, G replaced by A.
Protein change: p.Ser72Asn; replaces serine 72 with asparagine.
Molecular consequence: missense variant. On other transcripts: intron variant (1).
Genome position (GRCh38, 1-based): chr1:154,429,325, G>A. VCF-style: chr1-154429325-G-A. GRCh37 (hg19) VCF-style: chr1-154401801-G-A.
Other names: c.215G>A, p.Ser72Asn (NM_001206866.2, NM_001382769.1, NM_001382770.1 and 4 more transcripts); c.126+89G>A (NM_001382774.1); short protein forms S72N.
Identifiers: ClinVar variation 1495608 (VCV001495608.8), dbSNP rs2149235561, ClinGen allele CA342603912.